The following is an entry in ClinVar:

NM_001379500.1(COL18A1):c.1856G>A (p.Gly619Glu)

Gene: COL18A1 (collagen type XVIII alpha 1 chain; plus strand). Cytogenetic location: 21q22.3.
Variant type: single nucleotide variant.
Coding change: c.1856G>A on transcript NM_001379500.1 (MANE Select); coding-DNA position 1856, G replaced by A.
Protein change: p.Gly619Glu; replaces glycine 619 with glutamic acid.
Molecular consequence: missense variant.
Genome position (GRCh38, 1-based): chr21:45,487,469, G>A. VCF-style: chr21-45487469-G-A. GRCh37 (hg19) VCF-style: chr21-46907383-G-A.
Other names: NM_130445.2:c.1856G>A; c.2396G>A, p.Gly799Glu (NM_030582.4); c.3101G>A, p.Gly1034Glu (NM_130444.3); short protein forms G1034E, G619E, G799E.
Identifiers: ClinVar variation 1309418 (VCV001309418.6), dbSNP rs751553488, ClinGen allele CA10066579.

ClinVar aggregate classification (germline): Uncertain significance. Review status: criteria provided, multiple submitters, no conflicts (2 of 4 stars). 3 submissions from 3 submitters: Uncertain significance (3). Last evaluated 2024-12-31.

Conditions:
Inborn genetic diseases. Identifiers: MedGen C0950123, MeSH D030342.

Allele frequency attached by ClinVar (database versions not stated): gnomAD exomes below 0.00001 and 0.00001; ExAC 0.00001; gnomAD 0.00001; TOPMed 0.00001.
gnomAD v4.1: 16 of 1,612,994 alleles (0.00099%); highest among the groups gnomAD compares: Non-Finnish European, 0.0014%; no homozygotes.

Submissions (3):

Ambry Genetics
Classification: Uncertain significance for Inborn genetic diseases. Last evaluated: 2024-12-31. Review status: criteria provided, single submitter. Criteria: Ambry Variant Classification Scheme 2023. Collection method: clinical testing. Allele origin: germline.

Labcorp Genetics (formerly Invitae), Labcorp
Classification: Uncertain significance. Last evaluated: 2022-07-05. Review status: criteria provided, single submitter. Criteria: Invitae Variant Classification Sherloc (09022015). Collection method: clinical testing. Allele origin: germline.
Comment: This sequence change replaces glycine, which is neutral and non-polar, with glutamic acid, which is acidic and polar, at codon 619 of the COL18A1 protein (p.Gly619Glu). This variant is present in population databases (rs751553488, gnomAD 0.0009%). This variant has not been reported in the literature in individuals affected with COL18A1-related conditions. ClinVar contains an entry for this variant (Variation ID: 1309418). Experimental studies and prediction algorithms are not available or were not evaluated, and the functional significance of this variant is currently unknown. In summary, the available evidence is currently insufficient to determine the role of this variant in disease. Therefore, it has been classified as a Variant of Uncertain Significance.

GeneDx
Classification: Uncertain significance. Last evaluated: 2019-10-16. Review status: criteria provided, single submitter. Criteria: GeneDx Variant Classification Process June 2021. Collection method: clinical testing. Allele origin: germline. Affected: yes.
Comment: Not observed at a significant frequency in large population cohorts (Lek et al., 2016); In silico analysis, which includes protein predictors and evolutionary conservation, supports that this variant does not alter protein structure/function; Has not been previously published as pathogenic or benign to our knowledge